The following is an entry in ClinVar:

ClinVar aggregate classification (germline): Pathogenic (1 of 4 stars; one submission).

Submission:

Labcorp Genetics (formerly Invitae), Labcorp
Classification: Pathogenic. Last evaluated: 2023-06-29. Review status: criteria provided, single submitter. Criteria: Invitae Variant Classification Sherloc (09022015). Collection method: clinical testing. Allele origin: germline.
Comment: For these reasons, this variant has been classified as Pathogenic. Isolated whole-gene deletions of ZBTB20 have not been reported in the literature. However, larger copy number events that include this gene have been reported (PMID: 23032108, 32071410, 33942996). A gross deletion of the genomic region encompassing the full coding sequence of the ZBTB20 gene has been identified. Loss-of-function variants in ZBTB20 are known to be pathogenic (PMID: 32071410). The boundaries of this event are unknown as they extend beyond the assayed region for this gene and therefore may encompass additional genes.

Literature cited by the submitters: PubMed 23032108; PubMed 32071410; PubMed 33942996.

NC_000003.11:g.(?_113010404)_(114099634_?)del

Genes: ATP6V1A (ATPase H+ transporting V1 subunit A; plus strand), CCDC191 (coiled-coil domain containing 191; minus strand), CFAP44 (cilia and flagella associated protein 44; minus strand), DRD3 (dopamine receptor D3; minus strand), GRAMD1C (GRAM domain containing 1C; plus strand) and 9 more. Cytogenetic location: 3q13.2-13.31.
Variant type: Deletion.
Identifiers: ClinVar variation 2423902 (VCV002423902.4).